The following is an entry in ClinVar:

NM_004994.3(MMP9):c.650-2A>T

Gene: MMP9 (matrix metallopeptidase 9; plus strand). Cytogenetic location: 20q13.12.
Variant type: single nucleotide variant.
Coding change: c.650-2A>T on transcript NM_004994.3 (MANE Select); the canonical splice acceptor site of the intron before coding-DNA position 650, A replaced by T.
Molecular consequence: splice acceptor variant.
Genome position (GRCh38, 1-based): chr20:46,011,141, A>T. VCF-style: chr20-46011141-A-T. GRCh37 (hg19) VCF-style: chr20-44639780-A-T.
Identifiers: ClinVar variation 3004409 (VCV003004409.3), dbSNP rs979973452, ClinGen allele CA315635096.

ClinVar aggregate classification (germline): Uncertain significance (1 of 4 stars; one submission).

Allele frequency attached by ClinVar (database versions not stated): gnomAD exomes below 0.00001.
gnomAD v4.1: 3 of 1,614,018 alleles (0.00019%); highest among the groups gnomAD compares: Non-Finnish European, 0.00025%; no homozygotes.

Submission:

Labcorp Genetics (formerly Invitae), Labcorp
Classification: Uncertain significance. Last evaluated: 2023-01-06. Review status: criteria provided, single submitter. Criteria: Invitae Variant Classification Sherloc (09022015). Collection method: clinical testing. Allele origin: germline.
Comment: In summary, the available evidence is currently insufficient to determine the role of this variant in disease. Therefore, it has been classified as a Variant of Uncertain Significance. Algorithms developed to predict the effect of sequence changes on RNA splicing suggest that this variant may disrupt the consensus splice site. This variant has not been reported in the literature in individuals affected with MMP9-related conditions. This variant is not present in population databases (gnomAD no frequency). This sequence change affects an acceptor splice site in intron 4 of the MMP9 gene. It is expected to disrupt RNA splicing. Variants that disrupt the donor or acceptor splice site typically lead to a loss of protein function (PMID: 16199547), however the current clinical and genetic evidence is not sufficient to establish whether loss-of-function variants in MMP9 cause disease.

Literature cited by the submitters: PubMed 16199547.